The following is an entry in ClinVar:

NM_024740.2(ALG9):c.*2743T>C

Gene: ALG9 (ALG9 alpha-1,2-mannosyltransferase; minus strand). Cytogenetic location: 11q23.1.
Variant type: single nucleotide variant.
Coding change: c.*2743T>C on transcript NM_024740.2 (MANE Select); 2743 bases downstream of the stop codon, T replaced by C.
Molecular consequence: 3 prime UTR variant. On other transcripts: non-coding transcript variant (1).
Genome position (GRCh38, 1-based): chr11:111,783,654, A>G on the plus strand (T>C on the coding strand, the complement: ALG9 is on the minus strand). VCF-style: chr11-111783654-A-G. GRCh37 (hg19) VCF-style: chr11-111654378-A-G.
Other names: c.*2743T>C (NM_001077690.1, NM_001077691.2, NM_001077692.2 and 9 more transcripts); c.*2403T>C (NM_001352415.1, NM_001352416.1, NM_001352417.1 and 1 more transcripts); c.*2872T>C (NM_001352420.2); c.*2866T>C (NM_001352421.2).
Identifiers: ClinVar variation 302377 (VCV000302377.6), dbSNP rs139048490, ClinGen allele CA10629828.

ClinVar aggregate classification (germline): Likely benign. Review status: criteria provided, multiple submitters, no conflicts (2 of 4 stars). 2 submissions from 2 submitters: Likely benign (2). Last evaluated 2018-01-13.

Conditions:
ALG9 congenital disorder of glycosylation (CDG1L). Also called: CDG Il; CONGENITAL DISORDER OF GLYCOSYLATION, TYPE Il; ALG9-CDG. Identifiers: Orphanet 79328, MedGen C2931006, MONDO:0012117, OMIM 608776.

Allele frequency attached by ClinVar (database versions not stated): gnomAD 0.00222 and 0.00306; TOPMed 0.00249; 1000 Genomes Project 30x 0.00625; 1000 Genomes Project 0.00679.

Submissions (2):

Illumina Laboratory Services, Illumina
Classification: Likely benign for ALG9 congenital disorder of glycosylation. Last evaluated: 2018-01-13. Review status: criteria provided, single submitter. Criteria: ICSL Variant Classification Criteria 13 December 2019. Collection method: clinical testing. Allele origin: germline.
Comment: This variant was observed in the ICSL laboratory as part of a predisposition screen in an ostensibly healthy population. It had not been previously curated by ICSL or reported in the Human Gene Mutation Database (HGMD: prior to June 1st, 2018), and was therefore a candidate for classification through an automated scoring system. Utilizing variant allele frequency, disease prevalence and penetrance estimates, and inheritance mode, an automated score was calculated to assess if this variant is too frequent to cause the disease. Based on the score and internal cut-off values, a variant classified as likely benign is not then subjected to further curation. The score for this variant resulted in a classification of likely benign for this disease.

Breakthrough Genomics
Classification: Likely benign. Review status: criteria provided, single submitter. Criteria: ACMG Guidelines, 2015. Collection method: not provided. Allele origin: germline. Inheritance: Autosomal recessive inheritance. Affected: yes.